The following is an entry in ClinVar:

NM_001080449.3(DNA2):c.437T>G (p.Phe146Cys)

Gene: DNA2 (DNA replication helicase/nuclease 2; minus strand). Cytogenetic location: 10q21.3.
Variant type: single nucleotide variant.
Coding change: c.437T>G on transcript NM_001080449.3 (MANE Select); coding-DNA position 437, T replaced by G.
Protein change: p.Phe146Cys; replaces phenylalanine 146 with cysteine.
Molecular consequence: missense variant. On other transcripts: non-coding transcript variant (1).
Genome position (GRCh38, 1-based): chr10:68,468,127, A>C on the plus strand (T>G on the coding strand, the complement: DNA2 is on the minus strand). VCF-style: chr10-68468127-A-C. GRCh37 (hg19) VCF-style: chr10-70227884-A-C.
Other names: short protein forms F146C.
Identifiers: ClinVar variation 1207276 (VCV001207276.7), dbSNP rs1455412261, ClinGen allele CA376829636.

ClinVar aggregate classification (germline): Uncertain significance. Review status: criteria provided, multiple submitters, no conflicts (2 of 4 stars). 3 submissions from 3 submitters: Uncertain significance (3). Last evaluated 2025-02-19.

Conditions:
Inborn genetic diseases. Identifiers: MedGen C0950123, MeSH D030342.

Allele frequency attached by ClinVar (database versions not stated): TOPMed below 0.00001; gnomAD exomes 0.00001.
gnomAD v4.1: 10 of 1,567,354 alleles (0.00064%); highest among the groups gnomAD compares: Non-Finnish European, 0.00086%; no homozygotes.

Submissions (3):

Ambry Genetics
Classification: Uncertain significance for Inborn genetic diseases. Last evaluated: 2025-02-19. Review status: criteria provided, single submitter. Criteria: Ambry Variant Classification Scheme 2023. Collection method: clinical testing. Allele origin: germline.

Labcorp Genetics (formerly Invitae), Labcorp
Classification: Uncertain significance. Last evaluated: 2022-12-05. Review status: criteria provided, single submitter. Criteria: Invitae Variant Classification Sherloc (09022015). Collection method: clinical testing. Allele origin: germline.
Comment: In summary, the available evidence is currently insufficient to determine the role of this variant in disease. Therefore, it has been classified as a Variant of Uncertain Significance. Advanced modeling of protein sequence and biophysical properties (such as structural, functional, and spatial information, amino acid conservation, physicochemical variation, residue mobility, and thermodynamic stability) performed at Invitae indicates that this missense variant is expected to disrupt DNA2 protein function. ClinVar contains an entry for this variant (Variation ID: 1207276). This variant has not been reported in the literature in individuals affected with DNA2-related conditions. This variant is present in population databases (no rsID available, gnomAD 0.002%). This sequence change replaces phenylalanine, which is neutral and non-polar, with cysteine, which is neutral and slightly polar, at codon 146 of the DNA2 protein (p.Phe146Cys).

GeneDx
Classification: Uncertain significance. Last evaluated: 2019-01-21. Review status: criteria provided, single submitter. Criteria: GeneDx Variant Classification Process June 2021. Collection method: clinical testing. Allele origin: germline. Affected: yes.
Comment: Not observed at a significant frequency in large population cohorts (Lek et al., 2016); In silico analysis, which includes protein predictors and evolutionary conservation, supports a deleterious effect; Has not been previously published as pathogenic or benign to our knowledge